The following is an entry in ClinVar:

ClinVar aggregate classification (germline): Uncertain significance (1 of 4 stars; one submission).

Conditions:
Epidermolysis bullosa simplex with nail dystrophy (EBS5D). Identifiers: MedGen C4225309, MONDO:0014661, OMIM 616487.
Epidermolysis bullosa simplex 5B, with muscular dystrophy (EBS5B). Also called: EPIDERMOLYSIS BULLOSA SIMPLEX AND LIMB-GIRDLE MUSCULAR DYSTROPHY; Epidermolysis bullosa simplex with muscular dystrophy. Identifiers: Orphanet 257, MedGen C2931072, MONDO:0009181, OMIM 226670.
Epidermolysis bullosa simplex, Ogna type (EBS5A). Also called: Pidermolysis bullosa simplex 5A, Ogna type; EPIDERMOLYSIS BULLOSA SIMPLEX 5A, OGNA TYPE. Identifiers: Orphanet 79401, MedGen C0432317, MONDO:0007555, OMIM 131950.
Epidermolysis bullosa simplex 5C, with pyloric atresia (EBS5C). Also called: Epidermolysis bullosa simplex with pyloric atresia; PLEC-Related Epidermolysis Bullosa with Pyloric Atresia; PLEC1-Related Epidermolysis Bullosa with Pyloric Atresia. Identifiers: Orphanet 158684, MedGen C2677349, MONDO:0012807, OMIM 612138.
Autosomal recessive limb-girdle muscular dystrophy type 2Q (LGMDR17). Also called: MUSCULAR DYSTROPHY, LIMB-GIRDLE, AUTOSOMAL RECESSIVE 17. Identifiers: Orphanet 254361, MedGen C3150989, MONDO:0013390, OMIM 613723.

Submission:

Labcorp Genetics (formerly Invitae), Labcorp
Classification: Uncertain significance for Autosomal recessive limb-girdle muscular dystrophy type 2Q; Epidermolysis bullosa simplex, Ogna type; Epidermolysis bullosa simplex with nail dystrophy; Epidermolysis bullosa simplex 5C, with pyloric atresia; Epidermolysis bullosa simplex 5B, with muscular dystrophy. Last evaluated: 2022-06-01. Review status: criteria provided, single submitter. Criteria: Invitae Variant Classification Sherloc (09022015). Collection method: clinical testing. Allele origin: germline.
Comment: In summary, the available evidence is currently insufficient to determine the role of this variant in disease. Therefore, it has been classified as a Variant of Uncertain Significance. Algorithms developed to predict the effect of missense changes on protein structure and function are either unavailable or do not agree on the potential impact of this missense change (SIFT: "Tolerated"; PolyPhen-2: "Not Available"; Align-GVGD: "Class C0"). This variant has not been reported in the literature in individuals affected with PLEC-related conditions. This variant is not present in population databases (gnomAD no frequency). This sequence change replaces methionine, which is neutral and non-polar, with threonine, which is neutral and polar, at codon 430 of the PLEC protein (p.Met430Thr).

NM_201384.3(PLEC):c.1208T>C (p.Met403Thr)

Gene: PLEC (plectin; minus strand). Cytogenetic location: 8q24.3.
Variant type: single nucleotide variant.
Coding change: c.1208T>C on transcript NM_201384.3 (MANE Select); coding-DNA position 1208, T replaced by C.
Protein change: p.Met403Thr; replaces methionine 403 with threonine.
Molecular consequence: missense variant.
Genome position (GRCh38, 1-based): chr8:143,934,053, A>G on the plus strand (T>C on the coding strand, the complement: PLEC is on the minus strand). VCF-style: chr8-143934053-A-G. GRCh37 (hg19) VCF-style: chr8-145008221-A-G.
Other names: c.1289T>C, p.Met430Thr (NM_000445.5, NM_001410941.1); c.1166T>C, p.Met389Thr (NM_201378.4); c.1142T>C, p.Met381Thr (NM_201379.3); c.1619T>C, p.Met540Thr (NM_201380.4); c.1112T>C, p.Met371Thr (NM_201381.3); c.1208T>C, p.Met403Thr (NM_201382.4); c.1220T>C, p.Met407Thr (NM_201383.3); short protein forms M371T, M389T, M407T, M381T, M430T, M403T, M540T.
Identifiers: ClinVar variation 2192565 (VCV002192565.4), dbSNP rs2132013778, ClinGen allele CA372584091.